The following is an entry in ClinVar:

NM_003620.4(PPM1D):c.1127C>T (p.Ser376Phe)

Gene: PPM1D (protein phosphatase, Mg2+/Mn2+ dependent 1D; plus strand). Cytogenetic location: 17q23.2.
Variant type: single nucleotide variant.
Coding change: c.1127C>T on transcript NM_003620.4 (MANE Select); coding-DNA position 1127, C replaced by T.
Protein change: p.Ser376Phe; replaces serine 376 with phenylalanine.
Molecular consequence: missense variant.
Genome position (GRCh38, 1-based): chr17:60,656,708, C>T. VCF-style: chr17-60656708-C-T. GRCh37 (hg19) VCF-style: chr17-58734069-C-T.
Other names: short protein forms S376F.
Identifiers: ClinVar variation 2721144 (VCV002721144.3), dbSNP rs61739281, ClinGen allele CA8687675.
Genomic context (GRCh38, chr17:60,656,708, plus strand): 5'-GCCGCTGGAGGCAGCGTATGCTCCGAGCAGATAACACTAGTGCCATAGTAATCTGCATCT[C>T]TCCAGAAGTGGACAATCAGGGAAACTTTACCAATGAAGATGAGTTATACCTGAACCTGAC-3'
Protein context (NP_003611.1, residues 366-386): DNTSAIVICI[Ser376Phe]PEVDNQGNFT

ClinVar aggregate classification (germline): Uncertain significance (1 of 4 stars; one submission).

Allele frequency attached by ClinVar (database versions not stated): gnomAD 0.00011; ExAC 0.00012; TOPMed 0.00017; gnomAD exomes 0.00018; ESP Exome Variant Server 0.00031.
gnomAD v4.1: 286 of 1,614,058 alleles (0.018%); highest among the groups gnomAD compares: Non-Finnish European, 0.022%; no homozygotes.

Submission:

Labcorp Genetics (formerly Invitae), Labcorp
Classification: Uncertain significance. Last evaluated: 2024-06-04. Review status: criteria provided, single submitter. Criteria: Invitae Variant Classification Sherloc (09022015). Collection method: clinical testing. Allele origin: germline.
Comment: This sequence change replaces serine, which is neutral and polar, with phenylalanine, which is neutral and non-polar, at codon 376 of the PPM1D protein (p.Ser376Phe). This variant is present in population databases (rs61739281, gnomAD 0.02%). This variant has not been reported in the literature in individuals affected with PPM1D-related conditions. An algorithm developed to predict the effect of missense changes on protein structure and function (PolyPhen-2) suggests that this variant is likely to be tolerated. In summary, the available evidence is currently insufficient to determine the role of this variant in disease. Therefore, it has been classified as a Variant of Uncertain Significance.